The following is an entry in ClinVar:

ClinVar aggregate classification (germline): Likely pathogenic (1 of 4 stars; one submission).

Conditions:
Immunodeficiency 35 (IMD35). Also called: Susceptibility to infection due to TYK2 deficiency; TYK2 DEFICIENCY; HIES WITH ATYPICAL MYCOBACTERIOSIS, AUTOSOMAL RECESSIVE; HYPER-IgE SYNDROME WITH ATYPICAL MYCOBACTERIOSIS, AUTOSOMAL RECESSIVE. Identifiers: Orphanet 331226, MedGen C1969086, MONDO:0012682, OMIM 611521.

Allele frequency attached by ClinVar (database versions not stated): gnomAD exomes 0.00001; TOPMed 0.00003; gnomAD 0.00005.
gnomAD v4.1: 23 of 1,613,482 alleles (0.0014%); highest among the groups gnomAD compares: Admixed American, 0.017%; no homozygotes.

Submission:

Labcorp Genetics (formerly Invitae), Labcorp
Classification: Likely pathogenic for Immunodeficiency 35. Last evaluated: 2024-08-30. Review status: criteria provided, single submitter. Criteria: Invitae Variant Classification Sherloc (09022015). Collection method: clinical testing. Allele origin: germline.
Comment: This sequence change affects a donor splice site in intron 7 of the TYK2 gene. It is expected to disrupt RNA splicing. Variants that disrupt the donor or acceptor splice site typically lead to a loss of protein function (PMID: 16199547), and loss-of-function variants in TYK2 are known to be pathogenic (PMID: 22402565, 26304966). This variant is present in population databases (no rsID available, gnomAD 0.01%). This variant has not been reported in the literature in individuals affected with TYK2-related conditions. Algorithms developed to predict the effect of sequence changes on RNA splicing suggest that this variant may disrupt the consensus splice site. In summary, the currently available evidence indicates that the variant is pathogenic, but additional data are needed to prove that conclusively. Therefore, this variant has been classified as Likely Pathogenic.

Literature cited by the submitters: PubMed 16199547; PubMed 22402565; PubMed 26304966.

NM_003331.5(TYK2):c.1011+2T>G

Gene: TYK2 (tyrosine kinase 2; minus strand). Cytogenetic location: 19p13.2.
Variant type: single nucleotide variant.
Coding change: c.1011+2T>G on transcript NM_003331.5 (MANE Select); the canonical splice donor site of the intron after coding-DNA position 1011, T replaced by G.
Molecular consequence: splice donor variant.
Genome position (GRCh38, 1-based): chr19:10,365,515, A>C on the plus strand (T>G on the coding strand, the complement: TYK2 is on the minus strand). VCF-style: chr19-10365515-A-C. GRCh37 (hg19) VCF-style: chr19-10476191-A-C.
Other names: c.1011+2T>G (NM_001385199.1, NM_001406461.1, NM_001385201.1 and 8 more transcripts); c.921+2T>G (NM_001385205.1).
Identifiers: ClinVar variation 2974814 (VCV002974814.3), dbSNP rs1463636749, ClinGen allele CA404015681.